The following is an entry in ClinVar:

ClinVar aggregate classification (germline): Uncertain significance (1 of 4 stars; one submission).

Allele frequency attached by ClinVar (database versions not stated): gnomAD exomes 0.00001.
gnomAD v4.1: 5 of 1,607,024 alleles (0.00031%); highest among the groups gnomAD compares: Admixed American, 0.0017%; no homozygotes.

Submission:

GeneDx
Classification: Uncertain significance. Last evaluated: 2023-03-06. Review status: criteria provided, single submitter. Criteria: GeneDx Variant Classification Process June 2021. Collection method: clinical testing. Allele origin: germline. Affected: yes.
Comment: Not observed at significant frequency in large population cohorts (gnomAD); In silico analysis supports that this missense variant has a deleterious effect on protein structure/function; Has not been previously published as pathogenic or benign to our knowledge

NM_015057.5(MYCBP2):c.6565G>A (p.Asp2189Asn)

Gene: MYCBP2 (MYC binding protein 2; minus strand). Cytogenetic location: 13q22.3.
Variant type: single nucleotide variant.
Coding change: c.6565G>A on transcript NM_015057.5 (MANE Select); coding-DNA position 6565, G replaced by A.
Protein change: p.Asp2189Asn; replaces aspartic acid 2189 with asparagine.
Molecular consequence: missense variant.
Genome position (GRCh38, 1-based): chr13:77,161,938, C>T on the plus strand (G>A on the coding strand, the complement: MYCBP2 is on the minus strand). VCF-style: chr13-77161938-C-T. GRCh37 (hg19) VCF-style: chr13-77736073-C-T.
Other names: short protein forms D2189N.
Identifiers: ClinVar variation 2579576 (VCV002579576.1), dbSNP rs2548922268, ClinGen allele CA388412591.